The following is an entry in ClinVar:

NM_004360.5(CDH1):c.48+2_48+6delinsCACCT

Gene: CDH1 (cadherin 1; plus strand). Cytogenetic location: 16q22.1.
Variant type: Indel.
Coding change: c.48+2_48+6delinsCACCT on transcript NM_004360.5 (MANE Select); the canonical splice donor site of the intron after coding-DNA position 48 through 6 bases into the intron after coding-DNA position 48, TACCC replaced by CACCT.
Molecular consequence: splice donor variant.
Genome position (GRCh38, 1-based): chr16:68,737,465-68,737,469, TACCC replaced by CACCT. VCF-style: chr16-68737465-TACCC-CACCT. GRCh37 (hg19) VCF-style: chr16-68771368-TACCC-CACCT.
Other names: c.-1568+2_-1568+6delinsCACCT (NM_001317185.2); c.-1772+2_-1772+6delinsCACCT (NM_001317186.2); c.48+2_48+6delinsCACCT (NM_001317184.2).
Identifiers: ClinVar variation 4071426 (VCV004071426.1).

ClinVar aggregate classification (germline): Likely pathogenic (1 of 4 stars; one submission).

Conditions:
Hereditary diffuse gastric adenocarcinoma (HDGC). Also called: DIFFUSE GASTRIC AND LOBULAR BREAST CANCER SYNDROME. Identifiers: Orphanet 26106, MedGen C1708349, MONDO:0007648, OMIM 137215.

Submission:

Myriad Genetics, Inc.
Classification: Likely pathogenic for Hereditary diffuse gastric adenocarcinoma. Last evaluated: 2025-04-16. Review status: criteria provided, single submitter. Criteria: Myriad Autosomal Dominant, Autosomal Recessive and X-Linked Classification Criteria (2023). Collection method: clinical testing. Allele origin: unknown.
Comment: This variant is considered likely pathogenic. This variant occurs within a consensus splice junction and is predicted to result in abnormal mRNA splicing of either an out-of-frame exon or an in-frame exon necessary for protein stability and/or normal function.